The following is an entry in ClinVar:

ClinVar aggregate classification (germline): Uncertain significance. Review status: criteria provided, multiple submitters, no conflicts (2 of 4 stars). 2 submissions from 2 submitters: Uncertain significance (2). Last evaluated 2023-01-17.

Conditions:
Acrocallosal syndrome (ACLS). Also called: HALLUX DUPLICATION, POSTAXIAL POLYDACTYLY, AND ABSENCE OF CORPUS CALLOSUM; Schinzel syndrome 1; Absence of corpus callosum with unusual facial appearance, mental deficiency, duplication of the halluces and polydactyly. Identifiers: Orphanet 36, MedGen C0796147, MONDO:0008708, OMIM 200990.

Allele frequency attached by ClinVar (database versions not stated): ExAC 0.00002.
gnomAD v4.1: 12 of 1,577,244 alleles (0.00076%); highest among the groups gnomAD compares: Admixed American, 0.013%; no homozygotes.

Submissions (2):

GeneDx
Classification: Uncertain significance. Last evaluated: 2023-01-17. Review status: criteria provided, single submitter. Criteria: GeneDx Variant Classification Process June 2021. Collection method: clinical testing. Allele origin: germline. Affected: yes.
Comment: In silico analysis supports that this missense variant does not alter protein structure/function; Has not been previously published as pathogenic or benign to our knowledge

Labcorp Genetics (formerly Invitae), Labcorp
Classification: Uncertain significance for Acrocallosal syndrome. Last evaluated: 2022-08-21. Review status: criteria provided, single submitter. Criteria: Invitae Variant Classification Sherloc (09022015). Collection method: clinical testing. Allele origin: germline.
Comment: This sequence change replaces alanine, which is neutral and non-polar, with serine, which is neutral and polar, at codon 486 of the KIF7 protein (p.Ala486Ser). This variant is present in population databases (rs776875275, gnomAD 0.02%). This variant has not been reported in the literature in individuals affected with KIF7-related conditions. Algorithms developed to predict the effect of missense changes on protein structure and function (SIFT, PolyPhen-2, Align-GVGD) all suggest that this variant is likely to be tolerated. In summary, the available evidence is currently insufficient to determine the role of this variant in disease. Therefore, it has been classified as a Variant of Uncertain Significance.

NM_198525.3(KIF7):c.1456G>T (p.Ala486Ser)

Gene: KIF7 (kinesin family member 7; minus strand). Cytogenetic location: 15q26.1.
Variant type: single nucleotide variant.
Coding change: c.1456G>T on transcript NM_198525.3 (MANE Select); coding-DNA position 1456, G replaced by T.
Protein change: p.Ala486Ser; replaces alanine 486 with serine.
Molecular consequence: missense variant.
Genome position (GRCh38, 1-based): chr15:89,647,700, C>A on the plus strand (G>T on the coding strand, the complement: KIF7 is on the minus strand). VCF-style: chr15-89647700-C-A. GRCh37 (hg19) VCF-style: chr15-90190931-C-A.
Other names: c.1456G>T (NM_198525.2); short protein forms A486S.
Identifiers: ClinVar variation 2056587 (VCV002056587.2), dbSNP rs776875275, ClinGen allele CA7728559.